The following is an entry in ClinVar:

ClinVar aggregate classification (germline): Uncertain significance. Review status: criteria provided, multiple submitters, no conflicts (2 of 4 stars). 3 submissions from 3 submitters: Uncertain significance (3). Last evaluated 2023-05-08.

Conditions:
Sclerosteosis 2 (SOST2). Identifiers: Orphanet 3152, MedGen C3280402, MONDO:0013679, OMIM 614305.
Cenani-Lenz syndactyly syndrome. Also called: CENANI SYNDACTYLISM; SYNDACTYLY, TYPE VII. Identifiers: Orphanet 3258, MedGen C1859309, MONDO:0008931, OMIM 212780.
Congenital myasthenic syndrome 17. Identifiers: Orphanet 590, MedGen C4225377, MONDO:0014578, OMIM 616304.

Allele frequency attached by ClinVar (database versions not stated): gnomAD exomes 0.00001.
gnomAD v4.1: 10 of 1,613,424 alleles (0.00062%); highest among the groups gnomAD compares: Non-Finnish European, 0.00085%; no homozygotes.

Submissions (3):

Labcorp Genetics (formerly Invitae), Labcorp
Classification: Uncertain significance for Cenani-Lenz syndactyly syndrome; Sclerosteosis 2; Congenital myasthenic syndrome 17. Last evaluated: 2023-05-08. Review status: criteria provided, single submitter. Criteria: Invitae Variant Classification Sherloc (09022015). Collection method: clinical testing. Allele origin: germline.
Comment: In summary, the available evidence is currently insufficient to determine the role of this variant in disease. Therefore, it has been classified as a Variant of Uncertain Significance. Advanced modeling of protein sequence and biophysical properties (such as structural, functional, and spatial information, amino acid conservation, physicochemical variation, residue mobility, and thermodynamic stability) performed at Invitae indicates that this missense variant is not expected to disrupt LRP4 protein function. ClinVar contains an entry for this variant (Variation ID: 304856). This variant has not been reported in the literature in individuals affected with LRP4-related conditions. This variant is not present in population databases (gnomAD no frequency). This sequence change replaces arginine, which is basic and polar, with glutamine, which is neutral and polar, at codon 1549 of the LRP4 protein (p.Arg1549Gln).

Fulgent Genetics
Classification: Uncertain significance for Cenani-Lenz syndactyly syndrome; Sclerosteosis 2; Congenital myasthenic syndrome 17. Last evaluated: 2022-02-11. Review status: criteria provided, single submitter. Criteria: ACMG Guidelines, 2015. Collection method: clinical testing. Allele origin: unknown.

Illumina Laboratory Services, Illumina
Classification: Uncertain significance for Cenani-Lenz syndactyly syndrome. Last evaluated: 2018-01-13. Review status: criteria provided, single submitter. Criteria: ICSL Variant Classification Criteria 13 December 2019. Collection method: clinical testing. Allele origin: germline.

NM_002334.4(LRP4):c.4646G>A (p.Arg1549Gln)

Genes: LRP4 (LDL receptor related protein 4; minus strand), LRP4-AS1 (LRP4 antisense RNA 1; plus strand). Cytogenetic location: 11p11.2.
Variant type: single nucleotide variant.
Coding change: c.4646G>A on transcript NM_002334.4 (MANE Select); coding-DNA position 4646, G replaced by A.
Protein change: p.Arg1549Gln; replaces arginine 1549 with glutamine.
Molecular consequence: missense variant.
Genome position (GRCh38, 1-based): chr11:46,871,571, C>T on the plus strand (G>A on the coding strand, the complement: LRP4 is on the minus strand). VCF-style: chr11-46871571-C-T. GRCh37 (hg19) VCF-style: chr11-46893122-C-T.
Other names: short protein forms R1549Q.
Identifiers: ClinVar variation 304856 (VCV000304856.15), dbSNP rs886048348, ClinGen allele CA10635013.